The following is an entry in ClinVar:

ClinVar aggregate classification (germline): Pathogenic/Likely pathogenic. Review status: criteria provided, multiple submitters, no conflicts (2 of 4 stars). 8 submissions from 8 submitters: Pathogenic (3); Likely pathogenic (5). Last evaluated 2026-08-06.

Conditions:
Cerebroretinal microangiopathy with calcifications and cysts 1 (CRMCC1). Identifiers: Orphanet 313838, MedGen C4552029, MONDO:0024564, OMIM 612199.
CTC1-related disorder. Also called: CTC1-related condition.
Dyskeratosis congenita. Identifiers: Orphanet 1775, MedGen C0265965, MONDO:0015780.

Submissions (8):

OLLIN Analises Genomicas, OLLIN
Classification: Likely pathogenic for Cerebroretinal microangiopathy with calcifications and cysts 1. Last evaluated: 2026-08-06. Review status: criteria provided, single submitter. Criteria: ACMG Guidelines 2015 PMID 25741868. Collection method: clinical testing. Allele origin: germline.
Comment: This frameshift variant, located in exon 3 (of 23), has been reported in ClinVar (accession VCV000653432.18) and in gnomAD with an allele frequency of 0.002%. However, to our knowledge, it has not been reported in the scientific literature. This variant causes a frameshift and introduces a premature stop codon, which is predicted to result in either a truncated protein or degradation of the mRNA via nonsense-mediated decay (NMD). According to the currently available evidence, this variant has been classified as likely pathogenic (PVS1, PM2).

GeneDx
Classification: Likely pathogenic. Last evaluated: 2026-07-13. Review status: criteria provided, single submitter. Criteria: GeneDx Variant Classification Process June 2021. Collection method: clinical testing. Allele origin: germline.
Comment: Frameshift variant predicted to result in protein truncation or nonsense mediated decay in a gene for which loss of function is a known mechanism of disease; This variant is associated with the following publications: (PMID: 34426522, 32141364, 37588055, 42190421)

Labcorp Genetics (formerly Invitae), Labcorp
Classification: Pathogenic for Dyskeratosis congenita. Last evaluated: 2025-12-03. Review status: criteria provided, single submitter. Criteria: Invitae Variant Classification Sherloc (09022015). Collection method: clinical testing. Allele origin: germline.
Comment: This sequence change creates a premature translational stop signal (p.His84Glnfs*8) in the CTC1 gene. It is expected to result in an absent or disrupted protein product. Loss-of-function variants in CTC1 are known to be pathogenic (PMID: 22267198, 22387016). This variant is present in population databases (rs745467709, gnomAD 0.01%). This variant has not been reported in the literature in individuals affected with CTC1-related conditions. ClinVar contains an entry for this variant (Variation ID: 653432). For these reasons, this variant has been classified as Pathogenic.

Fulgent Genetics
Classification: Likely pathogenic for Cerebroretinal microangiopathy with calcifications and cysts 1. Last evaluated: 2024-02-01. Review status: criteria provided, single submitter. Criteria: ACMG Guidelines, 2015. Collection method: clinical testing. Allele origin: germline.

Blueprint Genetics
Classification: Likely pathogenic for CTC1-related disorders. Last evaluated: 2023-03-02. Review status: criteria provided, single submitter. Criteria: ACMG Guidelines, 2015. Collection method: clinical testing. Allele origin: germline. Affected: yes. Observed: 5 variant alleles.

New York Genome Center
Classification: Likely pathogenic for Cerebroretinal microangiopathy with calcifications and cysts 1. Last evaluated: 2021-09-26. Review status: criteria provided, single submitter. Criteria: NYGC Assertion Criteria 2020. Collection method: clinical testing. Allele origin: germline. Observed: 1 heterozygote. Study: CSER-NYCKidSeq.

Genome-Nilou Lab
Classification: Pathogenic for Cerebroretinal microangiopathy with calcifications and cysts 1. Last evaluated: 2021-07-15. Review status: criteria provided, single submitter. Criteria: ACMG Guidelines, 2015. Collection method: clinical testing. Allele origin: germline. Affected: no.

DBGen Ocular Genomics
Classification: Pathogenic for Cerebroretinal microangiopathy with calcifications and cysts 1. Last evaluated: 2021-06-07. Review status: criteria provided, single submitter. Criteria: ACMG Guidelines, 2015. Collection method: clinical testing. Allele origin: germline. Affected: yes. Observed: 1 variant allele.

Literature cited by the submitters: PubMed 22267198 (cited by Labcorp Genetics (formerly Invitae), Labcorp); PubMed 22387016 (cited by Labcorp Genetics (formerly Invitae), Labcorp).

NM_025099.6(CTC1):c.248_251dup (p.His84fs)

Gene: CTC1 (CST telomere replication complex component 1; minus strand). Cytogenetic location: 17p13.1.
Variant type: Duplication.
Coding change: c.248_251dup on transcript NM_025099.6 (MANE Select); coding-DNA positions 248 to 251, 4 bases duplicated (GCCA; older notation c.248_251dupGCCA).
Protein change: p.His84fs; shifts the reading frame from histidine 84.
Molecular consequence: frameshift variant. On other transcripts: non-coding transcript variant (1).
Genome position (GRCh38, 1-based): chr17:8,238,576-8,238,579, TGGC duplicated on the plus strand (GCCA on the coding strand, the reverse complement: CTC1 is on the minus strand); duplicating any 4 consecutive bases within chr17:8,238,576-8,238,581 gives the same sequence; the c. name uses the placement nearest the transcript's 3' end. VCF-style (leftmost placement, unchanged base first): chr17-8238575-G-GTGGC. GRCh37 (hg19) VCF-style: chr17-8141893-G-GTGGC.
Other names: c.248_251dup (NM_025099.5); short protein forms H84fs.
Identifiers: ClinVar variation 653432 (VCV000653432.21), dbSNP rs745467709, ClinGen allele CA8372667.